The following is an entry in ClinVar:

NM_000388.4(CASR):c.1793G>A (p.Cys598Tyr)

Gene: CASR (calcium sensing receptor; plus strand). Cytogenetic location: 3q21.1.
Variant type: single nucleotide variant.
Coding change: c.1793G>A on transcript NM_000388.4 (MANE Select); coding-DNA position 1793, G replaced by A.
Protein change: p.Cys598Tyr; replaces cysteine 598 with tyrosine.
Molecular consequence: missense variant.
Genome position (GRCh38, 1-based): chr3:122,283,747, G>A. VCF-style: chr3-122283747-G-A. GRCh37 (hg19) VCF-style: chr3-122002594-G-A.
Other names: c.1823G>A, p.Cys608Tyr (NM_001178065.2); short protein forms C598Y, C608Y.
Identifiers: ClinVar variation 1499251 (VCV001499251.6), dbSNP rs2107649418, ClinGen allele CA354157376.

ClinVar aggregate classification (germline): Uncertain significance (1 of 4 stars; one submission).

Conditions:
Autosomal dominant hypocalcemia 1 (HYPOC1). Also called: HYPOCALCEMIA, FAMILIAL. Identifiers: MedGen C3715128, MONDO:0011013, OMIM 601198.
Familial hypocalciuric hypercalcemia (FHH). Also called: Familial benign hypercalcemia. Identifiers: Orphanet 405, MedGen C1809471, MONDO:0018458.

Submission:

Labcorp Genetics (formerly Invitae), Labcorp
Classification: Uncertain significance for Familial hypocalciuric hypercalcemia; Autosomal dominant hypocalcemia 1. Last evaluated: 2024-03-06. Review status: criteria provided, single submitter. Criteria: Invitae Variant Classification Sherloc (09022015). Collection method: clinical testing. Allele origin: germline.
Comment: This sequence change replaces cysteine, which is neutral and slightly polar, with tyrosine, which is neutral and polar, at codon 598 of the CASR protein (p.Cys598Tyr). This variant is not present in population databases (gnomAD no frequency). This variant has not been reported in the literature in individuals affected with CASR-related conditions. ClinVar contains an entry for this variant (Variation ID: 1499251). An algorithm developed to predict the effect of missense changes on protein structure and function (PolyPhen-2) suggests that this variant is likely to be disruptive. In summary, the available evidence is currently insufficient to determine the role of this variant in disease. Therefore, it has been classified as a Variant of Uncertain Significance.